The following is an entry in ClinVar:

NM_000540.3(RYR1):c.10171G>A (p.Glu3391Lys)

Gene: RYR1 (ryanodine receptor 1; plus strand). Cytogenetic location: 19q13.2.
Variant type: single nucleotide variant.
Coding change: c.10171G>A on transcript NM_000540.3 (MANE Select); coding-DNA position 10171, G replaced by A.
Protein change: p.Glu3391Lys; replaces glutamic acid 3391 with lysine.
Molecular consequence: missense variant.
Genome position (GRCh38, 1-based): chr19:38,519,366, G>A. VCF-style: chr19-38519366-G-A. GRCh37 (hg19) VCF-style: chr19-39010006-G-A.
Other names: c.10171G>A, p.Glu3391Lys (NM_001042723.2); short protein forms E3391K.
Identifiers: ClinVar variation 1024492 (VCV001024492.10), dbSNP rs1216966090, ClinGen allele CA405696097.

ClinVar aggregate classification (germline): Uncertain significance. Review status: criteria provided, multiple submitters, no conflicts (2 of 4 stars). 3 submissions from 3 submitters: Uncertain significance (3). Last evaluated 2025-08-31.

Conditions:
Malignant hyperthermia, susceptibility to, 1 (MHS1). Also called: RYR1-Related Malignant Hyperthermia Susceptibility; Malignant hyperthermia suceptibility 1; Anesthesia related hyperthermia; Malignant hyperpyrexia; Fulminating hyperpyrexia; Pharmacogenic myopathy. Identifiers: Orphanet 423, MedGen C2930980, MONDO:0007783, OMIM 145600.
RYR1-related disorder. Also called: RYR1-related disorders; RYR1-related condition. Identifiers: MedGen CN239331.

Allele frequency attached by ClinVar (database versions not stated): gnomAD exomes below 0.00001; gnomAD 0.00002 and 0.00003; TOPMed 0.00002.
gnomAD v4.1: 16 of 1,610,038 alleles (0.00099%); highest among the groups gnomAD compares: African/African-American, 0.0027%; no homozygotes.

Submissions (3):

Labcorp Genetics (formerly Invitae), Labcorp
Classification: Uncertain significance for RYR1-related disorder. Last evaluated: 2025-08-31. Review status: criteria provided, single submitter. Criteria: Invitae Variant Classification Sherloc (09022015). Collection method: clinical testing. Allele origin: germline.
Comment: This sequence change replaces glutamic acid, which is acidic and polar, with lysine, which is basic and polar, at codon 3391 of the RYR1 protein (p.Glu3391Lys). The frequency data for this variant in the population databases is considered unreliable, as metrics indicate poor data quality at this position in the gnomAD database. This variant has not been reported in the literature in individuals affected with RYR1-related conditions. ClinVar contains an entry for this variant (Variation ID: 1024492). Invitae Evidence Modeling of protein sequence and biophysical properties (such as structural, functional, and spatial information, amino acid conservation, physicochemical variation, residue mobility, and thermodynamic stability) indicates that this missense variant is expected to disrupt RYR1 protein function with a positive predictive value of 80%. In summary, the available evidence is currently insufficient to determine the role of this variant in disease. Therefore, it has been classified as a Variant of Uncertain Significance.

Color Diagnostics, LLC DBA Color Health
Classification: Uncertain significance for Malignant hyperthermia, susceptibility to, 1. Last evaluated: 2025-07-25. Review status: criteria provided, single submitter. Criteria: ACMG Guidelines, 2015. Collection method: clinical testing. Allele origin: germline.
Comment: This missense variant replaces glutamic acid with lysine at codon 3391 of the RYR1 protein. Computational prediction suggests that this variant may have deleterious impact on protein structure and function. To our knowledge, functional studies have not been reported for this variant. This variant has not been reported in individuals affected with RYR1-related disorders in the literature. This variant has been identified in 1/239666 chromosomes in the general population by the Genome Aggregation Database (gnomAD). The available evidence is insufficient to determine the role of this variant in disease conclusively. Therefore, this variant is classified as a Variant of Uncertain Significance.

Revvity Omics, Revvity
Classification: Uncertain significance. Last evaluated: 2024-10-30. Review status: criteria provided, single submitter. Criteria: ACMG Guidelines, 2015. Collection method: clinical testing. Allele origin: germline.